The following is an entry in ClinVar:

ClinVar aggregate classification (germline): Benign/Likely benign. Review status: criteria provided, multiple submitters, no conflicts (2 of 4 stars). 4 submissions from 4 submitters: Benign (3); Likely benign (1). Last evaluated 2026-07-01.

Allele frequency attached by ClinVar (database versions not stated): 1000 Genomes Project 0.00180; 1000 Genomes Project 30x 0.00203; TOPMed 0.00508; gnomAD exomes 0.00536 and 0.00876; ExAC 0.00606; gnomAD 0.00626 and 0.00633; ESP Exome Variant Server 0.00723.
gnomAD v4.1: 13,030 of 1,544,168 alleles (0.84%); highest among the groups gnomAD compares: Non-Finnish European, 1%; 83 homozygotes.

Submissions (4):

CeGaT Center for Human Genetics Tuebingen
Classification: Benign. Last evaluated: 2026-07-01. Review status: criteria provided, single submitter. Criteria: CeGaT Center For Human Genetics Tuebingen Variant Classification Criteria Version 2. Collection method: clinical testing. Allele origin: germline. Affected: yes. Observed: 9 variant alleles.
Comment: UNC80: BS1, BS2

Labcorp Genetics (formerly Invitae), Labcorp
Classification: Benign. Last evaluated: 2026-02-03. Review status: criteria provided, single submitter. Criteria: Invitae Variant Classification Sherloc (09022015). Collection method: clinical testing. Allele origin: germline.

Blueprint Genetics
Classification: Likely benign. Last evaluated: 2024-11-22. Review status: criteria provided, single submitter. Criteria: ACMG Guidelines, 2015. Collection method: clinical testing. Allele origin: germline.

Breakthrough Genomics
Classification: Benign. Review status: criteria provided, single submitter. Criteria: ACMG Guidelines, 2015. Collection method: not provided. Allele origin: germline. Inheritance: Autosomal recessive inheritance. Affected: yes.

NM_001371986.1(UNC80):c.3926C>T (p.Thr1309Ile)

Gene: UNC80 (unc-80 subunit of NALCN channel complex; plus strand). Cytogenetic location: 2q34.
Variant type: single nucleotide variant.
Coding change: c.3926C>T on transcript NM_001371986.1 (MANE Select); coding-DNA position 3926, C replaced by T.
Protein change: p.Thr1309Ile; replaces threonine 1309 with isoleucine.
Molecular consequence: missense variant.
Genome position (GRCh38, 1-based): chr2:209,878,039, C>T. VCF-style: chr2-209878039-C-T. GRCh37 (hg19) VCF-style: chr2-210742763-C-T.
Other names: c.3932C>T, p.Thr1311Ile (NM_032504.2); c.3917C>T, p.Thr1306Ile (NM_182587.4); short protein forms T1309I, T1306I, T1311I.
Identifiers: ClinVar variation 777769 (VCV000777769.43), dbSNP rs78846221, ClinGen allele CA2083162.